The following is an entry in ClinVar:

NM_001009944.3(PKD1):c.10594dup (p.Gln3532fs)

Genes: PKD1 (polycystin 1, transient receptor potential channel interacting; minus strand), PKD1-AS1 (PKD1 antisense RNA 1; plus strand). Cytogenetic location: 16p13.3.
Variant type: Duplication.
Coding change: c.10594dup on transcript NM_001009944.3 (MANE Select); coding-DNA position 10594, one base duplicated (C; older notation c.10594dupC).
Protein change: p.Gln3532fs; shifts the reading frame from glutamine 3532.
Molecular consequence: frameshift variant.
Genome position (GRCh38, 1-based): chr16:2,094,116, G duplicated on the plus strand (C on the coding strand, the reverse complement: PKD1 is on the minus strand); the first of 4 consecutive G bases (chr16:2,094,116-2,094,119); duplicating any one gives the same sequence. VCF-style (leftmost placement, unchanged base first): chr16-2094115-T-TG. GRCh37 (hg19) VCF-style: chr16-2144116-T-TG.
Other names: c.10591dup, p.Gln3531fs (NM_000296.4); short protein forms Q3531fs, Q3532fs.
Identifiers: ClinVar variation 3335873 (VCV003335873.2).

ClinVar aggregate classification (germline): Pathogenic (1 of 4 stars; one submission).

Conditions:
Polycystic kidney disease, adult type (PKD1). Also called: Polycystic Kidney, Autosomal Dominant; POLYCYSTIC KIDNEY DISEASE 1 WITH OR WITHOUT POLYCYSTIC LIVER DISEASE; POLYCYSTIC KIDNEY DISEASE, ADULT, TYPE I; Polycystic Kidney Disease 1, Autosomal Dominant; Polycystic kidney disease 1; Polycystic kidney disease 1, severe. Identifiers: MedGen C3149841, MONDO:0008263, OMIM 173900.

Submission:

Juno Genomics, Hangzhou Juno Genomics, Inc
Classification: Pathogenic for Polycystic kidney disease, adult type. Review status: criteria provided, single submitter. Criteria: ACMG Guidelines, 2015. Collection method: clinical testing. Allele origin: germline. Affected: yes.
Comment: Absent from controls (or at extremely low frequency if recessive) in Genome Aggregation Database, Exome Sequencing Project, 1000 Genomes Project, or Exome Aggregation Consortium.;Null variant in a gene where loss of function (LOF) is a known mechanism of disease.;Patient's phenotype or family history is highly specific for a disease with a single genetic etiology.